The following is an entry in ClinVar:

NM_000528.4(MAN2B1):c.1667A>C (p.Asp556Ala)

Gene: MAN2B1 (mannosidase alpha class 2B member 1; minus strand). Cytogenetic location: 19p13.13.
Variant type: single nucleotide variant.
Coding change: c.1667A>C on transcript NM_000528.4 (MANE Select); coding-DNA position 1667, A replaced by C.
Protein change: p.Asp556Ala; replaces aspartic acid 556 with alanine.
Molecular consequence: missense variant.
Genome position (GRCh38, 1-based): chr19:12,655,857, T>G on the plus strand (A>C on the coding strand, the complement: MAN2B1 is on the minus strand). VCF-style: chr19-12655857-T-G. GRCh37 (hg19) VCF-style: chr19-12766671-T-G.
Other names: c.1667A>C (NM_000528.3); c.1664A>C, p.Asp555Ala (NM_001173498.2); short protein forms D556A, D555A.
Identifiers: ClinVar variation 2149337 (VCV002149337.2), dbSNP rs1325770668, ClinGen allele CA404245049.

ClinVar aggregate classification (germline): Uncertain significance. Review status: criteria provided, multiple submitters, no conflicts (2 of 4 stars). 2 submissions from 2 submitters: Uncertain significance (2). Last evaluated 2022-04-22.

Conditions:
Inborn genetic diseases. Identifiers: MedGen C0950123, MeSH D030342.
Deficiency of alpha-mannosidase (MANSA). Also called: LYSOSOMAL ALPHA-D-MANNOSIDASE DEFICIENCY; Alpha-Mannosidosis; Mannosidosis, alpha-, types I and II. Identifiers: Orphanet 61, MedGen C0024748, MONDO:0009561, OMIM 248500.

Allele frequency attached by ClinVar (database versions not stated): gnomAD 0.00001; TOPMed 0.00003.
gnomAD v4.1: 3 of 1,613,650 alleles (0.00019%); highest among the groups gnomAD compares: African/African-American, 0.0027%; no homozygotes.

Submissions (2):

Ambry Genetics
Classification: Uncertain significance for Inborn genetic diseases. Last evaluated: 2022-04-22. Review status: criteria provided, single submitter. Criteria: Ambry Variant Classification Scheme 2023. Collection method: clinical testing. Allele origin: germline.

Labcorp Genetics (formerly Invitae), Labcorp
Classification: Uncertain significance for Deficiency of alpha-mannosidase. Last evaluated: 2022-02-23. Review status: criteria provided, single submitter. Criteria: Invitae Variant Classification Sherloc (09022015). Collection method: clinical testing. Allele origin: germline.
Comment: This sequence change replaces aspartic acid, which is acidic and polar, with alanine, which is neutral and non-polar, at codon 556 of the MAN2B1 protein (p.Asp556Ala). This variant is present in population databases (no rsID available, gnomAD 0.01%). This variant has not been reported in the literature in individuals affected with MAN2B1-related conditions. Algorithms developed to predict the effect of missense changes on protein structure and function (SIFT, PolyPhen-2, Align-GVGD) all suggest that this variant is likely to be tolerated. In summary, the available evidence is currently insufficient to determine the role of this variant in disease. Therefore, it has been classified as a Variant of Uncertain Significance.